The following is an entry in ClinVar:

NM_003737.4(DCHS1):c.9173C>G (p.Ser3058Cys)

Genes: DCHS1 (dachsous cadherin-related 1; minus strand), LOC130005209 (ATAC-STARR-seq lymphoblastoid active region 4351; plus strand). Cytogenetic location: 11p15.4.
Variant type: single nucleotide variant.
Coding change: c.9173C>G on transcript NM_003737.4 (MANE Select); coding-DNA position 9173, C replaced by G.
Protein change: p.Ser3058Cys; replaces serine 3058 with cysteine.
Molecular consequence: missense variant.
Genome position (GRCh38, 1-based): chr11:6,622,503, G>C on the plus strand (C>G on the coding strand, the complement: DCHS1 is on the minus strand). VCF-style: chr11-6622503-G-C. GRCh37 (hg19) VCF-style: chr11-6643734-G-C.
Other names: short protein forms S3058C.
Identifiers: ClinVar variation 2874965 (VCV002874965.3), dbSNP rs1272603153, ClinGen allele CA379479285.

ClinVar aggregate classification (germline): Uncertain significance (1 of 4 stars; one submission).

Allele frequency attached by ClinVar (database versions not stated): TOPMed below 0.00001.

Submission:

Labcorp Genetics (formerly Invitae), Labcorp
Classification: Uncertain significance. Last evaluated: 2024-02-02. Review status: criteria provided, single submitter. Criteria: Invitae Variant Classification Sherloc (09022015). Collection method: clinical testing. Allele origin: germline.
Comment: This sequence change replaces serine, which is neutral and polar, with cysteine, which is neutral and slightly polar, at codon 3058 of the DCHS1 protein (p.Ser3058Cys). This variant is not present in population databases (gnomAD no frequency). This variant has not been reported in the literature in individuals affected with DCHS1-related conditions. An algorithm developed to predict the effect of missense changes on protein structure and function (PolyPhen-2) suggests that this variant is likely to be disruptive. In summary, the available evidence is currently insufficient to determine the role of this variant in disease. Therefore, it has been classified as a Variant of Uncertain Significance.